The following is an entry in ClinVar:

NM_004304.5(ALK):c.4723C>G (p.Arg1575Gly)

Gene: ALK (ALK receptor tyrosine kinase; minus strand). Cytogenetic location: 2p23.2.
Variant type: single nucleotide variant.
Coding change: c.4723C>G on transcript NM_004304.5 (MANE Select); coding-DNA position 4723, C replaced by G.
Protein change: p.Arg1575Gly; replaces arginine 1575 with glycine.
Molecular consequence: missense variant.
Genome position (GRCh38, 1-based): chr2:29,193,364, G>C on the plus strand (C>G on the coding strand, the complement: ALK is on the minus strand). VCF-style: chr2-29193364-G-C. GRCh37 (hg19) VCF-style: chr2-29416230-G-C.
Other names: c.4723C>G (NM_004304.4); c.1519C>G, p.Arg507Gly (NM_001353765.2); short protein forms R1575G, R507G.
Identifiers: ClinVar variation 3683517 (VCV003683517.3).

ClinVar aggregate classification (germline): Uncertain significance. Review status: criteria provided, multiple submitters, no conflicts (2 of 4 stars). 2 submissions from 2 submitters: Uncertain significance (2). Last evaluated 2025-10-30.

Conditions:
Neuroblastoma, susceptibility to, 3. Also called: ALK-Related Neuroblastic Tumor Susceptibility. Identifiers: Orphanet 635, MedGen C2751681, MONDO:0013083, OMIM 613014.
Hereditary cancer-predisposing syndrome. Also called: Tumor predisposition; Hereditary neoplastic syndrome; Hereditary Cancer Syndrome; Neoplastic Syndromes, Hereditary. Identifiers: Orphanet 140162, MedGen C0027672, MeSH D009386, MONDO:0015356.

gnomAD v4.1: 1 of 1,614,202 alleles (0.000062%); highest among the groups gnomAD compares: Non-Finnish European, 0.000085%; no homozygotes.

Submissions (2):

Ambry Genetics
Classification: Uncertain significance for Hereditary cancer-predisposing syndrome. Last evaluated: 2025-10-30. Review status: criteria provided, single submitter. Criteria: Ambry Variant Classification Scheme 2023. Collection method: clinical testing. Allele origin: germline.
Comment: The p.R1575G variant (also known as c.4723C>G), located in coding exon 29 of the ALK gene, results from a C to G substitution at nucleotide position 4723. The arginine at codon 1575 is replaced by glycine, an amino acid with dissimilar properties. This amino acid position is conserved. In addition, this alteration is predicted to be tolerated by in silico analysis. Based on the available evidence, the clinical significance of this variant remains unclear.

Labcorp Genetics (formerly Invitae), Labcorp
Classification: Uncertain significance for Neuroblastoma, susceptibility to, 3. Last evaluated: 2024-12-09. Review status: criteria provided, single submitter. Criteria: Invitae Variant Classification Sherloc (09022015). Collection method: clinical testing. Allele origin: germline.
Comment: This sequence change replaces arginine, which is basic and polar, with glycine, which is neutral and non-polar, at codon 1575 of the ALK protein (p.Arg1575Gly). This variant is not present in population databases (gnomAD no frequency). This variant has not been reported in the literature in individuals affected with ALK-related conditions. An algorithm developed to predict the effect of missense changes on protein structure and function (PolyPhen-2) suggests that this variant is likely to be disruptive. In summary, the available evidence is currently insufficient to determine the role of this variant in disease. Therefore, it has been classified as a Variant of Uncertain Significance.